The following is an entry in ClinVar:

ClinVar aggregate classification (germline): Likely benign (1 of 4 stars; one submission).

Allele frequency attached by ClinVar (database versions not stated): gnomAD exomes 0.00004.

Submission:

CeGaT Center for Human Genetics Tuebingen
Classification: Likely benign. Last evaluated: 2022-10-01. Review status: criteria provided, single submitter. Criteria: CeGaT Center For Human Genetics Tuebingen Variant Classification Criteria Version 2. Collection method: clinical testing. Allele origin: germline. Affected: yes. Observed: 1 variant allele.
Comment: NACAD: BP4, BP7

NM_001146334.2(NACAD):c.2562G>A (p.Ser854=)

Gene: NACAD (NAC alpha domain containing; minus strand). Cytogenetic location: 7p13.
Variant type: single nucleotide variant.
Coding change: c.2562G>A on transcript NM_001146334.2 (MANE Select); coding-DNA position 2562, G replaced by A.
Protein change: p.Ser854=; no amino-acid change (serine 854 retained).
Molecular consequence: synonymous variant.
Genome position (GRCh38, 1-based): chr7:45,083,618, C>T on the plus strand (G>A on the coding strand, the complement: NACAD is on the minus strand). VCF-style: chr7-45083618-C-T. GRCh37 (hg19) VCF-style: chr7-45123217-C-T.
Identifiers: ClinVar variation 2657444 (VCV002657444.24), dbSNP rs35492910, ClinGen allele CA158011358.